The following is an entry in ClinVar:

NM_013351.2(TBX21):c.1130C>T (p.Ala377Val)

Gene: TBX21 (T-box transcription factor 21; plus strand). Cytogenetic location: 17q21.32.
Variant type: single nucleotide variant.
Coding change: c.1130C>T on transcript NM_013351.2 (MANE Select); coding-DNA position 1130, C replaced by T.
Protein change: p.Ala377Val; replaces alanine 377 with valine.
Molecular consequence: missense variant.
Genome position (GRCh38, 1-based): chr17:47,744,888, C>T. VCF-style: chr17-47744888-C-T. GRCh37 (hg19) VCF-style: chr17-45822254-C-T.
Other names: short protein forms A377V.
Identifiers: ClinVar variation 5030546 (VCV005030546.1).
Genomic context (GRCh38, chr17:47,744,888, plus strand): 5'-CTCTCCTACCCAACCAGTATCCTGTTCCCAGCCGCTTCTACCCCGACCTTCCTGGCCAGG[C>T]GAAGGATGTGGTTCCCCAGGCTTACTGGCTGGGGGCCCCCCGGGACCACAGCTATGAGGC-3'
Protein context (NP_037483.1, residues 367-387): SRFYPDLPGQ[Ala377Val]KDVVPQAYWL

ClinVar aggregate classification (germline): Uncertain significance (1 of 4 stars; one submission).

gnomAD v4.1: 50 of 1,614,212 alleles (0.0031%); highest among the groups gnomAD compares: African/African-American, 0.0027%; no homozygotes.

Submission:

Ambry Genetics
Classification: Uncertain significance. Last evaluated: 2026-06-17. Review status: criteria provided, single submitter. Criteria: Ambry Variant Classification Scheme 2023. Collection method: clinical testing. Allele origin: germline.
Comment: The c.1130C>T (p.A377V) alteration is located in exon 6 (coding exon 6) of the TBX21 gene. This alteration results from a C to T substitution at nucleotide position 1130, causing the alanine (A) at amino acid position 377 to be replaced by a valine (V). Based on data from gnomAD, the T allele has an overall frequency of 0.004% (10/251450) total alleles studied. The highest observed frequency was 0.06% (6/10078) of Ashkenazi Jewish alleles. Based on insufficient or conflicting evidence, the clinical significance of this alteration remains unclear.